The following is an entry in ClinVar:

NM_000329.3(RPE65):c.1237C>T (p.Arg413Cys)

Gene: RPE65 (retinoid isomerohydrolase RPE65; minus strand). Cytogenetic location: 1p31.3.
Variant type: single nucleotide variant.
Coding change: c.1237C>T on transcript NM_000329.3 (MANE Select); coding-DNA position 1237, C replaced by T.
Protein change: p.Arg413Cys; replaces arginine 413 with cysteine.
Molecular consequence: missense variant.
Genome position (GRCh38, 1-based): chr1:68,431,477, G>A on the plus strand (C>T on the coding strand, the complement: RPE65 is on the minus strand). VCF-style: chr1-68431477-G-A. GRCh37 (hg19) VCF-style: chr1-68897160-G-A.
Other names: short protein forms R413C.
Identifiers: ClinVar variation 647699 (VCV000647699.7), dbSNP rs369142161, ClinGen allele CA902248.

ClinVar aggregate classification (germline): Uncertain significance. Review status: criteria provided, multiple submitters, no conflicts (2 of 4 stars). 3 submissions from 3 submitters: Uncertain significance (2). 1 of the submissions does not count toward it. Last evaluated 2024-11-13.

Conditions:
Leber congenital amaurosis 2 (LCA2). Also called: AMAUROSIS CONGENITA OF LEBER II; Autosomal Recessive RPE65-Related Retinal Degeneration. Identifiers: Orphanet 65, MedGen C1859844, MONDO:0008765, OMIM 204100. Disease mechanism: loss of function.
Retinitis pigmentosa 20 (RP20). Identifiers: Orphanet 791, MedGen C3151086, MONDO:0013425, OMIM 613794.
Leber congenital amaurosis (LCA). Also called: Leber's amaurosis. Identifiers: Orphanet 65, MedGen C0339527, MeSH D057130, MONDO:0018998.

Allele frequency attached by ClinVar (database versions not stated): gnomAD 0.00004 and 0.00005; TOPMed 0.00004; ESP Exome Variant Server 0.00015; 1000 Genomes Project 0.00040; 1000 Genomes Project 30x 0.00047.
gnomAD v4.1: 131 of 1,613,698 alleles (0.0081%); highest among the groups gnomAD compares: East Asian, 0.018%; 1 homozygote.

Submissions (3):

Blueprint Genetics
Classification: Uncertain significance. Last evaluated: 2024-11-13. Review status: criteria provided, single submitter. Criteria: ACMG Guidelines, 2015. Collection method: clinical testing. Allele origin: germline.

Labcorp Genetics (formerly Invitae), Labcorp
Classification: Uncertain significance for Leber congenital amaurosis 2; Retinitis pigmentosa 20. Last evaluated: 2022-10-13. Review status: criteria provided, single submitter. Criteria: Invitae Variant Classification Sherloc (09022015). Collection method: clinical testing. Allele origin: germline.
Comment: This sequence change replaces arginine, which is basic and polar, with cysteine, which is neutral and slightly polar, at codon 413 of the RPE65 protein (p.Arg413Cys). This variant is present in population databases (rs369142161, gnomAD 0.02%). This variant has not been reported in the literature in individuals affected with RPE65-related conditions. ClinVar contains an entry for this variant (Variation ID: 647699). Advanced modeling of protein sequence and biophysical properties (such as structural, functional, and spatial information, amino acid conservation, physicochemical variation, residue mobility, and thermodynamic stability) performed at Invitae indicates that this missense variant is not expected to disrupt RPE65 protein function. In summary, the available evidence is currently insufficient to determine the role of this variant in disease. Therefore, it has been classified as a Variant of Uncertain Significance.

Natera, Inc.
Classification: Uncertain significance for Leber congenital amaurosis. Last evaluated: 2020-09-16. Review status: no assertion criteria provided. Collection method: clinical testing. Allele origin: germline. Not counted in ClinVar's aggregate classification.